The following is an entry in ClinVar:

NM_004629.2(FANCG):c.593A>C (p.Gln198Pro)

Gene: FANCG (FA complementation group G; minus strand). Cytogenetic location: 9p13.3.
Variant type: single nucleotide variant.
Coding change: c.593A>C on transcript NM_004629.2 (MANE Select); coding-DNA position 593, A replaced by C.
Protein change: p.Gln198Pro; replaces glutamine 198 with proline.
Molecular consequence: missense variant.
Genome position (GRCh38, 1-based): chr9:35,077,317, T>G on the plus strand (A>C on the coding strand, the complement: FANCG is on the minus strand). VCF-style: chr9-35077317-T-G. GRCh37 (hg19) VCF-style: chr9-35077314-T-G.
Other names: short protein forms Q198P.
Identifiers: ClinVar variation 4254490 (VCV004254490.1).

ClinVar aggregate classification (germline): Uncertain significance (1 of 4 stars; one submission).

Conditions:
Inborn genetic diseases. Identifiers: MedGen C0950123, MeSH D030342.

Submission:

Ambry Genetics
Classification: Uncertain significance for Inborn genetic diseases. Last evaluated: 2025-08-30. Review status: criteria provided, single submitter. Criteria: Ambry Variant Classification Scheme 2023. Collection method: clinical testing. Allele origin: germline.
Comment: The p.Q198P variant (also known as c.593A>C), located in coding exon 5 of the FANCG gene, results from an A to C substitution at nucleotide position 593. The glutamine at codon 198 is replaced by proline, an amino acid with similar properties. This amino acid position is conserved. In addition, this alteration is predicted to be deleterious by in silico analysis. Based on the available evidence, the clinical significance of this variant remains unclear.